The following is an entry in ClinVar:

ClinVar aggregate classification (germline): Uncertain significance (1 of 4 stars; one submission).

Allele frequency attached by ClinVar (database versions not stated): TOPMed below 0.00001; gnomAD 0.00001; gnomAD exomes 0.00001.
gnomAD v4.1: 9 of 1,612,910 alleles (0.00056%); highest among the groups gnomAD compares: Non-Finnish European, 0.00076%; no homozygotes.

Submission:

GeneDx
Classification: Uncertain significance. Last evaluated: 2022-07-07. Review status: criteria provided, single submitter. Criteria: GeneDx Variant Classification Process June 2021. Collection method: clinical testing. Allele origin: germline. Affected: yes.
Comment: Not observed at significant frequency in large population cohorts (gnomAD); In silico analysis supports that this missense variant does not alter protein structure/function; Has not been previously published as pathogenic or benign to our knowledge

NM_020117.11(LARS1):c.1899A>C (p.Glu633Asp)

Gene: LARS1 (leucyl-tRNA synthetase 1; minus strand). Cytogenetic location: 5q32.
Variant type: single nucleotide variant.
Coding change: c.1899A>C on transcript NM_020117.11 (MANE Select); coding-DNA position 1899, A replaced by C.
Protein change: p.Glu633Asp; replaces glutamic acid 633 with aspartic acid.
Molecular consequence: missense variant.
Genome position (GRCh38, 1-based): chr5:146,143,063, T>G on the plus strand (A>C on the coding strand, the complement: LARS1 is on the minus strand). VCF-style: chr5-146143063-T-G. GRCh37 (hg19) VCF-style: chr5-145522626-T-G.
Other names: c.1761A>C, p.Glu587Asp (NM_001317964.2); c.1737A>C, p.Glu579Asp (NM_001317965.2); c.1818A>C, p.Glu606Asp (NM_016460.4); short protein forms E587D, E579D, E606D, E633D.
Identifiers: ClinVar variation 1810611 (VCV001810611.1), dbSNP rs1473974839, ClinGen allele CA361608518.